The following is an entry in ClinVar:

ClinVar aggregate classification (germline): Uncertain significance (1 of 4 stars; one submission).

Conditions:
Hereditary cancer-predisposing syndrome. Also called: Neoplastic Syndromes, Hereditary; Tumor predisposition; Hereditary Cancer Syndrome; Hereditary neoplastic syndrome. Identifiers: Orphanet 140162, MedGen C0027672, MeSH D009386, MONDO:0015356.

Submission:

Ambry Genetics
Classification: Uncertain significance for Hereditary cancer-predisposing syndrome. Last evaluated: 2020-10-05. Review status: criteria provided, single submitter. Criteria: Ambry Variant Classification Scheme 2023. Collection method: clinical testing. Allele origin: germline.
Comment: The c.3830_3832delACC variant (also known as p.D1277_P1278delinsA) is located in coding exon 9 of the MSH6 gene. This variant results from an in-frame ACC deletion at nucleotide positions 3830 to 3832. The at codon 1277 is replaced by alanine , an amino acid with highly similar properties. This amino acid region is highly conserved in available vertebrate species. In addition, this alteration is predicted to be deleterious by in silico analysis (Choi Y et al. PLoS ONE. 2012; 7(10):e46688). Since supporting evidence is limited at this time, the clinical significance of this alteration remains unclear.

NM_000179.3(MSH6):c.3830_3832del (p.Asp1277_Pro1278delinsAla)

Gene: MSH6 (mutS homolog 6; plus strand). Cytogenetic location: 2p16.3.
Variant type: Deletion.
Coding change: c.3830_3832del on transcript NM_000179.3 (MANE Select); coding-DNA positions 3830 to 3832, 3 bases deleted (ACC; older notation c.3830_3832delACC).
Protein change: p.Asp1277_Pro1278delinsAla.
Molecular consequence: inframe indel.
Genome position (GRCh38, 1-based): chr2:47,806,480-47,806,482, ACC deleted. VCF-style (leftmost placement, unchanged base first): chr2-47806479-GACC-G. GRCh37 (hg19) VCF-style: chr2-48033618-GACC-G.
Other names: c.3440_3442del, p.Asp1147_Pro1148delinsAla (NM_001281492.2); c.2924_2926del, p.Asp975_Pro976delinsAla (NM_001281493.2, NM_001281494.2); c.3926_3928delACC, p.Asp1309_Pro1310delinsAla (NM_001406795.1); c.3830_3832delACC, p.Asp1277_Pro1278delinsAla (NM_001406796.1, NM_001406808.1, NM_001406809.1); c.3533_3535delACC, p.Asp1178_Pro1179delinsAla (NM_001406797.1, NM_001406801.1, NM_001406805.1 and 10 more transcripts); c.3656_3658delACC, p.Asp1219_Pro1220delinsAla (NM_001406798.1); c.3305_3307delACC, p.Asp1102_Pro1103delinsAla (NM_001406799.1, NM_001406806.1, NM_001406807.1); c.3817_3819delACC, p.Thr1273del (NM_001406800.1); and 9 more; short protein forms T1273del.
Identifiers: ClinVar variation 1735349 (VCV001735349.2), dbSNP rs2530857233, ClinGen allele CA2580067386.
Genomic context (GRCh38, chr2:47,806,479, plus strand): 5'-GCACATGTATCGCTAATATTTTTCTTTCTTAAGGCATGCATGGTAGAAAATGAATGTGAA[GACC>G]CCAGCCAGGAGACTATTACGTTCCTCTATAAATTCATTAAGGGAGCTTGTCCTAAAAGCT-3'